The following is an entry in ClinVar:

ClinVar aggregate classification (germline): Uncertain significance. Review status: criteria provided, multiple submitters, no conflicts (2 of 4 stars). 3 submissions from 3 submitters: Uncertain significance (3). Last evaluated 2026-04-22.

Conditions:
Inborn genetic diseases. Identifiers: MedGen C0950123, MeSH D030342.

Allele frequency attached by ClinVar (database versions not stated): gnomAD 0.00016 and 0.00017; TOPMed 0.00017; gnomAD exomes 0.00018 and 0.00022; ExAC 0.00025; ESP Exome Variant Server 0.00031.
gnomAD v4.1: 345 of 1,609,956 alleles (0.021%); highest among the groups gnomAD compares: Non-Finnish European, 0.027%; 1 homozygote.

Submissions (3):

Ambry Genetics
Classification: Uncertain significance for Inborn genetic diseases. Last evaluated: 2026-04-22. Review status: criteria provided, single submitter. Criteria: Ambry Variant Classification Scheme 2023. Collection method: clinical testing. Allele origin: germline.
Comment: The c.1133A>G (p.N378S) alteration is located in exon 9 (coding exon 9) of the CTSF gene. This alteration results from an A to G substitution at nucleotide position 1133, causing the asparagine (N) at amino acid position 378 to be replaced by a serine (S). Based on data from gnomAD, the G allele has an overall frequency of 0.017% (49/280806) total alleles studied. The highest observed frequency was 0.031% (40/128104) of European (non-Finnish) alleles. Based on insufficient or conflicting evidence, the clinical significance of this alteration remains unclear.

Blueprint Genetics
Classification: Uncertain significance. Last evaluated: 2024-11-11. Review status: criteria provided, single submitter. Criteria: ACMG Guidelines, 2015. Collection method: clinical testing. Allele origin: germline.

Eurofins Ntd Llc (ga)
Classification: Uncertain significance. Last evaluated: 2015-12-07. Review status: criteria provided, single submitter. Criteria: EGL Classification Definitions 2015. Collection method: clinical testing. Allele origin: germline. Observed: 3 variant alleles, 3 heterozygotes.

NM_003793.4(CTSF):c.1133A>G (p.Asn378Ser)

Gene: CTSF (cathepsin F; minus strand). Cytogenetic location: 11q13.2.
Variant type: single nucleotide variant.
Coding change: c.1133A>G on transcript NM_003793.4 (MANE Select); coding-DNA position 1133, A replaced by G.
Protein change: p.Asn378Ser; replaces asparagine 378 with serine.
Molecular consequence: missense variant.
Genome position (GRCh38, 1-based): chr11:66,564,919, T>C on the plus strand (A>G on the coding strand, the complement: CTSF is on the minus strand). VCF-style: chr11-66564919-T-C. GRCh37 (hg19) VCF-style: chr11-66332390-T-C.
Other names: short protein forms N378S.
Identifiers: ClinVar variation 285170 (VCV000285170.9), dbSNP rs148080813, ClinGen allele CA6125312.